The following is an entry in ClinVar:

Conditions:
Breast-ovarian cancer, familial, susceptibility to, 1 (BROVCA1). Also called: BRCA1 Hereditary Breast and Ovarian Cancer; OVARIAN CANCER, SUSCEPTIBILITY TO. Identifiers: Orphanet 145, MedGen C2676676, MONDO:0011450, OMIM 604370. Disease mechanism: loss of function.

Submission:

Brotman Baty Institute, University of Washington
No classification provided (evidence only). Condition: Breast-ovarian cancer, familial 1. Review status: no classification provided. Collection method: in vitro. Allele origin: not applicable. Functional consequence: functionally_normal.
ClinVar note: "not provided" was previously submitted as the classification for the variant. However, the classification appeared to be based only on an observation of functional data so it was converted to no classification on 2025-07-30.

NM_007294.4(BRCA1):c.20G>C (p.Arg7Pro)

Gene: BRCA1 (BRCA1 DNA repair associated; minus strand). Cytogenetic location: 17q21.31.
Variant type: single nucleotide variant.
Coding change: c.20G>C on transcript NM_007294.4 (MANE Select); coding-DNA position 20, G replaced by C.
Protein change: p.Arg7Pro; replaces arginine 7 with proline.
Molecular consequence: missense variant. On other transcripts: 5 prime UTR variant (1), non-coding transcript variant (1).
Genome position (GRCh38, 1-based): chr17:43,124,077, C>G on the plus strand (G>C on the coding strand, the complement: BRCA1 is on the minus strand). VCF-style: chr17-43124077-C-G. GRCh37 (hg19) VCF-style: chr17-41276094-C-G.
Other names: c.-169G>C (NM_001407571.1, NM_001407853.1, NM_001407879.1 and 46 more transcripts); c.20G>C, p.Arg7Pro (NM_001407581.1, NM_001407582.1, NM_001407583.1 and 193 more transcripts); c.-238G>C (NM_001407694.1, NM_001407724.1, NM_001407727.1 and 11 more transcripts); c.-242G>C (NM_001407695.1, NM_001408465.1); c.-383G>C (NM_001407696.1); c.-267G>C (NM_001407697.1, NM_001407846.1, NM_001407920.1); c.-68G>C (NM_001407698.1, NM_001407732.1, NM_001407736.1 and 23 more transcripts); c.-241G>C (NM_001407725.1, NM_001407730.1, NM_001407734.1 and 22 more transcripts); and 8 more; short protein forms R7P.
Identifiers: ClinVar variation 865006 (VCV000865006.3), dbSNP rs144792613, ClinGen allele CA10602122.